The following is an entry in ClinVar:

ClinVar aggregate classification (germline): Uncertain significance. Review status: criteria provided, multiple submitters, no conflicts (2 of 4 stars). 2 submissions from 2 submitters: Uncertain significance (2). Last evaluated 2026-06-15.

Conditions:
Inborn genetic diseases. Identifiers: MedGen C0950123, MeSH D030342.

Allele frequency attached by ClinVar (database versions not stated): gnomAD exomes 0.00001; ExAC 0.00003; TOPMed 0.00001.
gnomAD v4.1: 6 of 1,614,212 alleles (0.00037%); highest among the groups gnomAD compares: East Asian, 0.013%; no homozygotes.

Submissions (2):

Women's Health and Genetics/Laboratory Corporation of America, LabCorp
Classification: Uncertain significance. Last evaluated: 2026-06-15. Review status: criteria provided, single submitter. Criteria: LabCorp Variant Classification Summary - May 2015. Collection method: clinical testing. Allele origin: germline.
Comment: Variant summary: CEP85L c.784A>G (p.Ser262Gly) results in a non-conservative amino acid change in the encoded protein sequence. Algorithms developed to predict the effect of missense changes on protein structure and function are either unavailable or do not agree on the potential impact of this missense change. The variant allele was found at a frequency of 2.4e-05 in 251300 control chromosomes. The available data on variant occurrences in the general population are insufficient to allow any conclusion about variant significance. To our knowledge, no occurrence of c.784A>G in individuals affected with CEP85L-related conditions and no experimental evidence demonstrating its impact on protein function have been reported. ClinVar contains an entry for this variant (Variation ID: 2336702). Based on the evidence outlined above, the variant was classified as uncertain significance.

Ambry Genetics
Classification: Uncertain significance for Inborn genetic diseases. Last evaluated: 2022-12-19. Review status: criteria provided, single submitter. Criteria: Ambry Variant Classification Scheme 2023. Collection method: clinical testing. Allele origin: germline.

NM_001042475.3(CEP85L):c.784A>G (p.Ser262Gly)

Gene: CEP85L (centrosomal protein 85L; minus strand). Cytogenetic location: 6q22.31.
Variant type: single nucleotide variant.
Coding change: c.784A>G on transcript NM_001042475.3 (MANE Select); coding-DNA position 784, A replaced by G.
Protein change: p.Ser262Gly; replaces serine 262 with glycine.
Molecular consequence: missense variant.
Genome position (GRCh38, 1-based): chr6:118,565,765, T>C on the plus strand (A>G on the coding strand, the complement: CEP85L is on the minus strand). VCF-style: chr6-118565765-T-C. GRCh37 (hg19) VCF-style: chr6-118886928-T-C.
Other names: c.793A>G, p.Ser265Gly (NM_001178035.2); c.784A>G, p.Ser262Gly (NM_206921.3); short protein forms S262G, S265G.
Identifiers: ClinVar variation 2336702 (VCV002336702.3), dbSNP rs760585658, ClinGen allele CA3978037.